The following is an entry in ClinVar:

NM_001845.6(COL4A1):c.2411del (p.Pro804fs)

Gene: COL4A1 (collagen type IV alpha 1 chain; minus strand). Cytogenetic location: 13q34.
Variant type: Deletion.
Coding change: c.2411del on transcript NM_001845.6 (MANE Select); coding-DNA position 2411, one base deleted (C; older notation c.2411delC).
Protein change: p.Pro804fs; shifts the reading frame from proline 804.
Molecular consequence: frameshift variant.
Genome position (GRCh38, 1-based): chr13:110,178,970, G deleted on the plus strand (C on the coding strand, the reverse complement: COL4A1 is on the minus strand); the first of 6 consecutive G bases (chr13:110,178,970-110,178,975); deleting any one gives the same sequence. VCF-style (leftmost placement, unchanged base first): chr13-110178969-AG-A. GRCh37 (hg19) VCF-style: chr13-110831316-AG-A.
Other names: short protein forms P804fs.
Identifiers: ClinVar variation 1449074 (VCV001449074.6), dbSNP rs2139165126, ClinGen allele CA2573149444.

ClinVar aggregate classification (germline): Pathogenic (1 of 4 stars; one submission).

Submission:

Labcorp Genetics (formerly Invitae), Labcorp
Classification: Pathogenic. Last evaluated: 2021-12-01. Review status: criteria provided, single submitter. Criteria: Invitae Variant Classification Sherloc (09022015). Collection method: clinical testing. Allele origin: germline.
Comment: This variant is not present in population databases (gnomAD no frequency). This sequence change creates a premature translational stop signal (p.Pro804Leufs*21) in the COL4A1 gene. It is expected to result in an absent or disrupted protein product. Loss-of-function variants in COL4A1 are known to be pathogenic (PMID: 23225343). For these reasons, this variant has been classified as Pathogenic. This variant has not been reported in the literature in individuals affected with COL4A1-related conditions.

Literature cited by the submitters: PubMed 23225343.